The following is an entry in ClinVar:

NM_004260.4(RECQL4):c.1936C>T (p.Arg646Cys)

Gene: RECQL4 (RecQ like helicase 4; minus strand). Cytogenetic location: 8q24.3.
Variant type: single nucleotide variant.
Coding change: c.1936C>T on transcript NM_004260.4 (MANE Select); coding-DNA position 1936, C replaced by T.
Protein change: p.Arg646Cys; replaces arginine 646 with cysteine.
Molecular consequence: missense variant.
Genome position (GRCh38, 1-based): chr8:144,514,050, G>A on the plus strand (C>T on the coding strand, the complement: RECQL4 is on the minus strand). VCF-style: chr8-144514050-G-A. GRCh37 (hg19) VCF-style: chr8-145739434-G-A.
Other names: short protein forms R646C.
Identifiers: ClinVar variation 94888 (VCV000094888.13), dbSNP rs398124116, ClinGen allele CA222576.

ClinVar aggregate classification (germline): Uncertain significance. Review status: criteria provided, multiple submitters, no conflicts (2 of 4 stars). 2 submissions from 2 submitters: Uncertain significance (2). Last evaluated 2024-09-08.

Conditions:
Baller-Gerold syndrome (BGS). Also called: CRANIOSYNOSTOSIS WITH RADIAL DEFECTS. Identifiers: Orphanet 1225, MedGen C0265308, MONDO:0009039, OMIM 218600.

Allele frequency attached by ClinVar (database versions not stated): gnomAD exomes 0.00003; gnomAD 0.00002; ExAC 0.00003.
gnomAD v4.1: 44 of 1,583,002 alleles (0.0028%); highest among the groups gnomAD compares: East Asian, 0.0047%; no homozygotes.

Submissions (2):

Labcorp Genetics (formerly Invitae), Labcorp
Classification: Uncertain significance for Baller-Gerold syndrome. Last evaluated: 2024-09-08. Review status: criteria provided, single submitter. Criteria: Invitae Variant Classification Sherloc (09022015). Collection method: clinical testing. Allele origin: germline.
Comment: This sequence change replaces arginine, which is basic and polar, with cysteine, which is neutral and slightly polar, at codon 646 of the RECQL4 protein (p.Arg646Cys). This variant is present in population databases (rs398124116, gnomAD 0.01%). This variant has not been reported in the literature in individuals affected with RECQL4-related conditions. ClinVar contains an entry for this variant (Variation ID: 94888). Invitae Evidence Modeling of protein sequence and biophysical properties (such as structural, functional, and spatial information, amino acid conservation, physicochemical variation, residue mobility, and thermodynamic stability) indicates that this missense variant is not expected to disrupt RECQL4 protein function with a negative predictive value of 80%. In summary, the available evidence is currently insufficient to determine the role of this variant in disease. Therefore, it has been classified as a Variant of Uncertain Significance.

Eurofins Ntd Llc (ga)
Classification: Uncertain significance. Last evaluated: 2013-01-11. Review status: criteria provided, single submitter. Criteria: EGL Classification Definitions 2015. Collection method: clinical testing. Allele origin: germline. Observed: 1 variant allele, 1 heterozygote.